The following is an entry in ClinVar:

ClinVar aggregate classification (germline): Uncertain significance (1 of 4 stars; one submission).

Conditions:
Rhabdoid tumor predisposition syndrome 2 (RTPS2). Identifiers: Orphanet 231108, Orphanet 69077, MedGen C2750074, MONDO:0013224, OMIM 613325.

Submission:

Labcorp Genetics (formerly Invitae), Labcorp
Classification: Uncertain significance for Rhabdoid tumor predisposition syndrome 2. Last evaluated: 2018-12-07. Review status: criteria provided, single submitter. Criteria: Invitae Variant Classification Sherloc (09022015). Collection method: clinical testing. Allele origin: germline.
Comment: This sequence change replaces serine with glycine at codon 657 of the SMARCA4 protein (p.Ser657Gly). The serine residue is highly conserved and there is a small physicochemical difference between serine and glycine. This variant is not present in population databases (ExAC no frequency). In summary, the available evidence is currently insufficient to determine the role of this variant in disease. Therefore, it has been classified as a Variant of Uncertain Significance. Algorithms developed to predict the effect of missense changes on protein structure and function are either unavailable or do not agree on the potential impact of this missense change (SIFT: "Deleterious"; PolyPhen-2: "Benign"; Align-GVGD: "Class C0"). This variant has not been reported in the literature in individuals with SMARCA4-related conditions.

NM_003072.5(SMARCA4):c.1969A>G (p.Ser657Gly)

Gene: SMARCA4 (SWI/SNF related BAF chromatin remodeling complex subunit ATPase 4; plus strand). Cytogenetic location: 19p13.2.
Variant type: single nucleotide variant.
Coding change: c.1969A>G on transcript NM_003072.5 (MANE Select); coding-DNA position 1969, A replaced by G.
Protein change: p.Ser657Gly; replaces serine 657 with glycine.
Molecular consequence: missense variant. On other transcripts: non-coding transcript variant (1).
Genome position (GRCh38, 1-based): chr19:11,003,365, A>G. VCF-style: chr19-11003365-A-G. GRCh37 (hg19) VCF-style: chr19-11114041-A-G.
Other names: c.1969A>G, p.Ser657Gly (NM_001128844.3, NM_001128845.2, NM_001128846.2 and 5 more transcripts); short protein forms S657G.
Identifiers: ClinVar variation 642557 (VCV000642557.8), dbSNP rs1600135788, ClinGen allele CA404052141.
Genomic context (GRCh38, chr19:11,003,365, plus strand): 5'-GCAGATTTGTATGAAAGCCCTTACATTTTTTCTAGGTATGAAGTAGCTCCGAGGTCTGAT[A>G]GTGAAGAAAGTGGCTCAGAAGAAGAGGAAGAGGTAAGAGTGCATTTCCTGGCTTTCAAGG-3'
Protein context (NP_003063.2, residues 647-667): PGYEVAPRSD[Ser657Gly]EESGSEEEEE